The following is an entry in ClinVar:

NM_020987.5(ANK3):c.8974C>A (p.Gln2992Lys)

Gene: ANK3 (ankyrin 3; minus strand). Cytogenetic location: 10q21.2.
Variant type: single nucleotide variant.
Coding change: c.8974C>A on transcript NM_020987.5 (MANE Select); coding-DNA position 8974, C replaced by A.
Protein change: p.Gln2992Lys; replaces glutamine 2992 with lysine.
Molecular consequence: missense variant. On other transcripts: intron variant (4).
Genome position (GRCh38, 1-based): chr10:60,071,907, G>T on the plus strand (C>A on the coding strand, the complement: ANK3 is on the minus strand). VCF-style: chr10-60071907-G-T. GRCh37 (hg19) VCF-style: chr10-61831665-G-T.
Other names: c.4388-3898C>A (NM_001204403.2); c.4409-3898C>A (NM_001204404.2); c.4406-3898C>A (NM_001320874.2); c.1808-3898C>A (NM_001149.4); short protein forms Q2992K.
Identifiers: ClinVar variation 1440390 (VCV001440390.8), dbSNP rs2131973043, ClinGen allele CA377004489.
Genomic context (GRCh38, chr10:60,071,907, plus strand): 5'-TAGAATTAAAGTGCTGTGTCTCAACTGTCTCTTTACTCATGCTTGACTGGGACAATTTTT[G>T]TGATAGTTCATGTTTTGGAAATGCCGACTGTTCACAAAAACCATCGGGAATATTAGAAGA-3'
Protein context (NP_066267.2, residues 2982-3002): QSAFPKHELS[Gln2992Lys]KLSQSSMSKE

ClinVar aggregate classification (germline): Uncertain significance (1 of 4 stars; one submission).

gnomAD v4.1: 2 of 1,614,008 alleles (0.00012%); highest among the groups gnomAD compares: Non-Finnish European, 0.00017%; no homozygotes.

Submission:

Labcorp Genetics (formerly Invitae), Labcorp
Classification: Uncertain significance. Last evaluated: 2023-07-17. Review status: criteria provided, single submitter. Criteria: Invitae Variant Classification Sherloc (09022015). Collection method: clinical testing. Allele origin: germline.
Comment: This sequence change replaces glutamine, which is neutral and polar, with lysine, which is basic and polar, at codon 2992 of the ANK3 protein (p.Gln2992Lys). This variant is not present in population databases (gnomAD no frequency). This variant has not been reported in the literature in individuals affected with ANK3-related conditions. ClinVar contains an entry for this variant (Variation ID: 1440390). An algorithm developed to predict the effect of missense changes on protein structure and function (PolyPhen-2) suggests that this variant is likely to be tolerated. In summary, the available evidence is currently insufficient to determine the role of this variant in disease. Therefore, it has been classified as a Variant of Uncertain Significance.